The following is an entry in ClinVar:

NM_175914.5(HNF4A):c.50-3406A>G

Gene: HNF4A (hepatocyte nuclear factor 4 alpha; plus strand). Cytogenetic location: 20q13.12.
Variant type: single nucleotide variant.
Coding change: c.50-3406A>G on transcript NM_175914.5 (MANE Select); 3406 bases into the intron before coding-DNA position 50, A replaced by G.
Molecular consequence: intron variant.
Genome position (GRCh38, 1-based): chr20:44,402,652, A>G. VCF-style: chr20-44402652-A-G. GRCh37 (hg19) VCF-style: chr20-43031292-A-G.
Other names: c.41-3406A>G (NM_001287182.2, NM_001287183.2, NM_001287184.2); c.50-3406A>G (NM_001030003.3, NM_001030004.3); c.94+8A>G (NM_001258355.2); c.115+1165A>G (NM_178849.3, NM_000457.6, NM_178850.3).
Identifiers: ClinVar variation 3037043 (VCV003037043.2), dbSNP rs78904917, ClinGen allele CA9870132.

ClinVar aggregate classification (germline): Likely benign (0 of 4 stars; one submission).

Conditions:
HNF4A-related disorder. Also called: HNF4A-related condition.

Allele frequency attached by ClinVar (database versions not stated): TOPMed 0.00001; gnomAD exomes 0.00003; gnomAD 0.00004; ExAC 0.00019; 1000 Genomes Project 30x 0.00031; 1000 Genomes Project 0.00040.
gnomAD v4.1: 39 of 1,349,616 alleles (0.0029%); highest among the groups gnomAD compares: East Asian, 0.18%; no homozygotes.

Submission:

PreventionGenetics, part of Exact Sciences
Classification: Likely benign for HNF4A-related condition. Last evaluated: 2020-07-14. Review status: no assertion criteria provided. Collection method: clinical testing. Allele origin: germline.
Comment: This variant is classified as likely benign based on ACMG/AMP sequence variant interpretation guidelines (Richards et al. 2015 PMID: 25741868, with internal and published modifications).